The following is an entry in ClinVar:

NM_004329.3(BMPR1A):c.131C>T (p.Ser44Leu)

Gene: BMPR1A (bone morphogenetic protein receptor type 1A; plus strand). Cytogenetic location: 10q23.2.
Variant type: single nucleotide variant.
Coding change: c.131C>T on transcript NM_004329.3 (MANE Select); coding-DNA position 131, C replaced by T.
Protein change: p.Ser44Leu; replaces serine 44 with leucine.
Molecular consequence: missense variant. On other transcripts: non-coding transcript variant (3).
Genome position (GRCh38, 1-based): chr10:86,890,125, C>T. VCF-style: chr10-86890125-C-T. GRCh37 (hg19) VCF-style: chr10-88649882-C-T.
Other names: c.131C>T, p.Ser44Leu (NM_001406559.1, NM_001406560.1, NM_001406561.1 and 23 more transcripts); c.47C>T, p.Ser16Leu (NM_001406584.1, NM_001406585.1, NM_001406586.1 and 2 more transcripts); short protein forms S16L, S44L.
Identifiers: ClinVar variation 4802634 (VCV004802634.1).
Genomic context (GRCh38, chr10:86,890,125, plus strand): 5'-AGAATCTGGATAGTATGCTTCATGGCACTGGGATGAAATCAGACTCCGACCAGAAAAAGT[C>T]AGAAAATGGAGTAACCTTAGCACCAGAGGATACCTTGCCTTTTTTAAAGTGCTATTGCTC-3'
Protein context (NP_004320.2, residues 34-54): GMKSDSDQKK[Ser44Leu]ENGVTLAPED

ClinVar aggregate classification (germline): Uncertain significance (1 of 4 stars; one submission).

Conditions:
Juvenile polyposis syndrome (JPS). Identifiers: Orphanet 2929, MedGen C0345893, MONDO:0017380, OMIM 174900.

Submission:

Labcorp Genetics (formerly Invitae), Labcorp
Classification: Uncertain significance for Juvenile polyposis syndrome. Last evaluated: 2025-07-31. Review status: criteria provided, single submitter. Criteria: Invitae Variant Classification Sherloc (09022015). Collection method: clinical testing. Allele origin: germline.
Comment: This sequence change replaces serine, which is neutral and polar, with leucine, which is neutral and non-polar, at codon 44 of the BMPR1A protein (p.Ser44Leu). This variant is not present in population databases (gnomAD no frequency). This variant has not been reported in the literature in individuals affected with BMPR1A-related conditions. Invitae Evidence Modeling of protein sequence and biophysical properties (such as structural, functional, and spatial information, amino acid conservation, physicochemical variation, residue mobility, and thermodynamic stability) indicates that this missense variant is not expected to disrupt BMPR1A protein function with a negative predictive value of 95%. In summary, the available evidence is currently insufficient to determine the role of this variant in disease. Therefore, it has been classified as a Variant of Uncertain Significance.